The following is an entry in ClinVar:

NM_022765.4(MICAL1):c.-11A>G

Gene: MICAL1 (microtubule associated monooxygenase, calponin and LIM domain containing 1; minus strand). Cytogenetic location: 6q21.
Variant type: single nucleotide variant.
Coding change: c.-11A>G on transcript NM_022765.4 (MANE Select); 11 bases upstream of the start codon, A replaced by G.
Molecular consequence: 5 prime UTR variant. On other transcripts: missense variant (1).
Genome position (GRCh38, 1-based): chr6:109,454,207, T>C on the plus strand (A>G on the coding strand, the complement: MICAL1 is on the minus strand). VCF-style: chr6-109454207-T-C. GRCh37 (hg19) VCF-style: chr6-109775410-T-C.
Other names: c.-11A>G (NM_001159291.2); c.47A>G, p.Gln16Arg (NM_001286613.2); short protein forms Q16R.
Identifiers: ClinVar variation 3628905 (VCV003628905.2).

ClinVar aggregate classification (germline): Uncertain significance (1 of 4 stars; one submission).

gnomAD v4.1: 6 of 1,587,110 alleles (0.00038%); highest among the groups gnomAD compares: Non-Finnish European, 0.00051%; no homozygotes.

Submission:

Labcorp Genetics (formerly Invitae), Labcorp
Classification: Uncertain significance. Last evaluated: 2024-06-30. Review status: criteria provided, single submitter. Criteria: Invitae Variant Classification Sherloc (09022015). Collection method: clinical testing. Allele origin: germline.
Comment: This sequence change replaces glutamine, which is neutral and polar, with arginine, which is basic and polar, at codon 16 of the MICAL1 protein (p.Gln16Arg). This variant is not present in population databases (gnomAD no frequency). This variant has not been reported in the literature in individuals affected with MICAL1-related conditions. An algorithm developed to predict the effect of missense changes on protein structure and function (PolyPhen-2) suggests that this variant is likely to be tolerated. In summary, the available evidence is currently insufficient to determine the role of this variant in disease. Therefore, it has been classified as a Variant of Uncertain Significance.